The following is an entry in ClinVar:

ClinVar aggregate classification (germline): Pathogenic (1 of 4 stars; one submission).

Submission:

Labcorp Genetics (formerly Invitae), Labcorp
Classification: Pathogenic. Last evaluated: 2022-03-22. Review status: criteria provided, single submitter. Criteria: Invitae Variant Classification Sherloc (09022015). Collection method: clinical testing. Allele origin: germline.
Comment: This sequence change creates a premature translational stop signal (p.Leu604Profs*18) in the ABCC8 gene. It is expected to result in an absent or disrupted protein product. Loss-of-function variants in ABCC8 are known to be pathogenic (PMID: 20685672, 23345197). For these reasons, this variant has been classified as Pathogenic. This variant has not been reported in the literature in individuals affected with ABCC8-related conditions. This variant is not present in population databases (gnomAD no frequency).

Literature cited by the submitters: PubMed 20685672; PubMed 23345197.

NM_000352.6(ABCC8):c.1810dup (p.Leu604fs)

Gene: ABCC8 (ATP binding cassette subfamily C member 8; minus strand). Cytogenetic location: 11p15.1.
Variant type: Duplication.
Coding change: c.1810dup on transcript NM_000352.6 (MANE Select); coding-DNA position 1810, one base duplicated (C; older notation c.1810dupC).
Protein change: p.Leu604fs; shifts the reading frame from leucine 604.
Molecular consequence: frameshift variant. On other transcripts: non-coding transcript variant (1).
Genome position (GRCh38, 1-based): chr11:17,430,821, G duplicated on the plus strand (C on the coding strand, the reverse complement: ABCC8 is on the minus strand). VCF-style (leftmost placement, unchanged base first): chr11-17430820-A-AG. GRCh37 (hg19) VCF-style: chr11-17452367-A-AG.
Other names: c.1810dup, p.Leu604fs (NM_001287174.3, NM_001351295.2); c.1807dup, p.Leu603fs (NM_001351296.2, NM_001351297.2); short protein forms L603fs, L604fs.
Identifiers: ClinVar variation 1453168 (VCV001453168.6), dbSNP rs2133548955, ClinGen allele CA2573146145.